The following is an entry in ClinVar:

ClinVar aggregate classification (germline): Uncertain significance. Review status: criteria provided, multiple submitters, no conflicts (2 of 4 stars). 2 submissions from 2 submitters: Uncertain significance (2). Last evaluated 2025-11-04.

Conditions:
Dyskeratosis congenita. Identifiers: Orphanet 1775, MedGen C0265965, MONDO:0015780.
Dyskeratosis congenita, autosomal dominant 2. Identifiers: MedGen C3151443, MONDO:0013521, OMIM 613989.
Idiopathic Pulmonary Fibrosis. Also called: Idiopathic fibrosing alveolitis, chronic form; idiopathic fibrosing alveolitis. Identifiers: Orphanet 2032, MedGen C1800706, MeSH D054990, MONDO:0800504.

Submissions (2):

Ambry Genetics
Classification: Uncertain significance for Dyskeratosis congenita. Last evaluated: 2025-11-04. Review status: criteria provided, single submitter. Criteria: Ambry Variant Classification Scheme 2023. Collection method: clinical testing. Allele origin: germline.
Comment: The p.A417G variant (also known as c.1250C>G), located in coding exon 2 of the TERT gene, results from a C to G substitution at nucleotide position 1250. The alanine at codon 417 is replaced by glycine, an amino acid with similar properties. This amino acid position is conserved. In addition, this alteration is predicted to be tolerated by in silico analysis. Based on the available evidence, the clinical significance of this variant remains unclear.

Labcorp Genetics (formerly Invitae), Labcorp
Classification: Uncertain significance for Dyskeratosis congenita, autosomal dominant 2; Idiopathic Pulmonary Fibrosis. Last evaluated: 2022-12-13. Review status: criteria provided, single submitter. Criteria: Invitae Variant Classification Sherloc (09022015). Collection method: clinical testing. Allele origin: germline.
Comment: This sequence change replaces alanine, which is neutral and non-polar, with glycine, which is neutral and non-polar, at codon 417 of the TERT protein (p.Ala417Gly). This variant is not present in population databases (gnomAD no frequency). In summary, the available evidence is currently insufficient to determine the role of this variant in disease. Therefore, it has been classified as a Variant of Uncertain Significance. Advanced modeling of protein sequence and biophysical properties (such as structural, functional, and spatial information, amino acid conservation, physicochemical variation, residue mobility, and thermodynamic stability) performed at Invitae indicates that this missense variant is not expected to disrupt TERT protein function. ClinVar contains an entry for this variant (Variation ID: 836740). This variant has not been reported in the literature in individuals affected with TERT-related conditions.

NM_198253.3(TERT):c.1250C>G (p.Ala417Gly)

Gene: TERT (telomerase reverse transcriptase; minus strand). Cytogenetic location: 5p15.33.
Variant type: single nucleotide variant.
Coding change: c.1250C>G on transcript NM_198253.3 (MANE Select); coding-DNA position 1250, C replaced by G.
Protein change: p.Ala417Gly; replaces alanine 417 with glycine.
Molecular consequence: missense variant. On other transcripts: non-coding transcript variant (2).
Genome position (GRCh38, 1-based): chr5:1,293,636, G>C on the plus strand (C>G on the coding strand, the complement: TERT is on the minus strand). VCF-style: chr5-1293636-G-C. GRCh37 (hg19) VCF-style: chr5-1293751-G-C.
Other names: c.1250C>G, p.Ala417Gly (NM_001193376.3); short protein forms A417G.
Identifiers: ClinVar variation 836740 (VCV000836740.9), dbSNP rs1440396485, ClinGen allele CA359086435.